The following is an entry in ClinVar:

NM_005334.3(HCFC1):c.1131C>G (p.Thr377=)

Gene: HCFC1 (host cell factor C1; minus strand). Cytogenetic location: Xq28.
Variant type: single nucleotide variant.
Coding change: c.1131C>G on transcript NM_005334.3 (MANE Select); coding-DNA position 1131, C replaced by G.
Protein change: p.Thr377=; no amino-acid change (threonine 377 retained).
Molecular consequence: synonymous variant.
Genome position (GRCh38, 1-based): chrX:153,960,115, G>C on the plus strand (C>G on the coding strand, the complement: HCFC1 is on the minus strand). VCF-style: chrX-153960115-G-C. GRCh37 (hg19) VCF-style: chrX-153225566-G-C.
Other names: c.1131C>G, p.Thr377= (NM_001410705.1).
Identifiers: ClinVar variation 2661774 (VCV002661774.27), dbSNP rs781785762, ClinGen allele CA10557543.

ClinVar aggregate classification (germline): Benign/Likely benign. Review status: criteria provided, multiple submitters, no conflicts (2 of 4 stars). 2 submissions from 2 submitters: Benign (1); Likely benign (1). Last evaluated 2024-03-18.

Conditions:
Methylmalonic acidemia with homocystinuria, type cblX (MAHCX). Also called: INTELLECTUAL DEVELOPMENTAL DISORDER, X-LINKED 3. Identifiers: Orphanet 369962, MedGen C0796208, MONDO:0010657, OMIM 309541.

Allele frequency attached by ClinVar (database versions not stated): gnomAD 0.00001; 1000 Genomes Project 30x 0.00021; 1000 Genomes Project 0.00026.
gnomAD v4.1: 37 of 1,209,610 alleles (0.0031%); highest among the groups gnomAD compares: South Asian, 0.065%; no homozygotes.

Submissions (2):

Labcorp Genetics (formerly Invitae), Labcorp
Classification: Benign for Methylmalonic acidemia with homocystinuria, type cblX. Last evaluated: 2024-03-18. Review status: criteria provided, single submitter. Criteria: Invitae Variant Classification Sherloc (09022015). Collection method: clinical testing. Allele origin: germline.

CeGaT Center for Human Genetics Tuebingen
Classification: Likely benign. Last evaluated: 2022-09-01. Review status: criteria provided, single submitter. Criteria: CeGaT Center For Human Genetics Tuebingen Variant Classification Criteria Version 2. Collection method: clinical testing. Allele origin: germline. Affected: yes. Observed: 1 variant allele.
Comment: HCFC1: BP4, BS2